The following is an entry in ClinVar:

ClinVar aggregate classification (germline): Uncertain significance (1 of 4 stars; one submission).

Conditions:
Malignant hyperthermia, susceptibility to, 1 (MHS1). Also called: Anesthesia related hyperthermia; Malignant hyperpyrexia; Fulminating hyperpyrexia; Pharmacogenic myopathy; RYR1-Related Malignant Hyperthermia Susceptibility; Malignant hyperthermia suceptibility 1. Identifiers: Orphanet 423, MedGen C2930980, MONDO:0007783, OMIM 145600.

Allele frequency attached by ClinVar (database versions not stated): gnomAD exomes below 0.00001.
gnomAD v4.1: 1 of 1,614,108 alleles (0.000062%); highest among the groups gnomAD compares: Admixed American, 0.0017%; no homozygotes.

Submission:

All of Us Research Program, National Institutes of Health
Classification: Uncertain significance for Malignant hyperthermia, susceptibility to, 1. Last evaluated: 2023-12-01. Review status: criteria provided, single submitter. Criteria: ACMG Guidelines, 2015. Collection method: clinical testing. Allele origin: germline. Inheritance: Autosomal dominant inheritance. Observed: 1 variant allele, 1 heterozygote.
Comment: This study involves interpretation of variants in research participants for the purpose of population health screening. Participant phenotype was not available at the time of variant classification. Additional details can be found in publication PMID: 35346344, PMCID: PMC8962531

NM_000540.3(RYR1):c.8041G>A (p.Gly2681Ser)

Gene: RYR1 (ryanodine receptor 1; plus strand). Cytogenetic location: 19q13.2.
Variant type: single nucleotide variant.
Coding change: c.8041G>A on transcript NM_000540.3 (MANE Select); coding-DNA position 8041, G replaced by A.
Protein change: p.Gly2681Ser; replaces glycine 2681 with serine.
Molecular consequence: missense variant.
Genome position (GRCh38, 1-based): chr19:38,504,334, G>A. VCF-style: chr19-38504334-G-A. GRCh37 (hg19) VCF-style: chr19-38994974-G-A.
Other names: c.8041G>A, p.Gly2681Ser (NM_001042723.2); short protein forms G2681S.
Identifiers: ClinVar variation 3074717 (VCV003074717.1), dbSNP rs1005729855, ClinGen allele CA308115932.